The following is an entry in ClinVar:

ClinVar aggregate classification (germline): Uncertain significance. Review status: criteria provided, multiple submitters, no conflicts (2 of 4 stars). 2 submissions from 2 submitters: Uncertain significance (2). Last evaluated 2025-08-12.

Conditions:
Inborn genetic diseases. Identifiers: MedGen C0950123, MeSH D030342.
Familial cold autoinflammatory syndrome 3 (FCAS3). Also called: FAMILIAL ATYPICAL COLD URTICARIA; ANTIBODY DEFICIENCY AND IMMUNE DYSREGULATION, PLCG2-ASSOCIATED. Identifiers: Orphanet 300359, MedGen C3280914, MONDO:0013766, OMIM 614468.

gnomAD v4.1: 11 of 1,614,014 alleles (0.00068%); highest among the groups gnomAD compares: Middle Eastern, 0.016%; no homozygotes.

Submissions (2):

Ambry Genetics
Classification: Uncertain significance for Inborn genetic diseases. Last evaluated: 2025-08-12. Review status: criteria provided, single submitter. Criteria: Ambry Variant Classification Scheme 2023. Collection method: clinical testing. Allele origin: germline.

Labcorp Genetics (formerly Invitae), Labcorp
Classification: Uncertain significance for Familial cold autoinflammatory syndrome 3. Last evaluated: 2024-05-13. Review status: criteria provided, single submitter. Criteria: Invitae Variant Classification Sherloc (09022015). Collection method: clinical testing. Allele origin: germline.
Comment: This sequence change replaces alanine, which is neutral and non-polar, with glutamic acid, which is acidic and polar, at codon 11 of the PLCG2 protein (p.Ala11Glu). This variant is not present in population databases (gnomAD no frequency). This variant has not been reported in the literature in individuals affected with PLCG2-related conditions. ClinVar contains an entry for this variant (Variation ID: 1513405). An algorithm developed to predict the effect of missense changes on protein structure and function (PolyPhen-2) suggests that this variant is likely to be tolerated. In summary, the available evidence is currently insufficient to determine the role of this variant in disease. Therefore, it has been classified as a Variant of Uncertain Significance.

NM_002661.5(PLCG2):c.32C>A (p.Ala11Glu)

Gene: PLCG2 (phospholipase C gamma 2; plus strand). Cytogenetic location: 16q23.3.
Variant type: single nucleotide variant.
Coding change: c.32C>A on transcript NM_002661.5 (MANE Select); coding-DNA position 32, C replaced by A.
Protein change: p.Ala11Glu; replaces alanine 11 with glutamic acid.
Molecular consequence: missense variant.
Genome position (GRCh38, 1-based): chr16:81,786,021, C>A. VCF-style: chr16-81786021-C-A. GRCh37 (hg19) VCF-style: chr16-81819626-C-A.
Other names: c.32C>A (NM_002661.3); short protein forms A11E.
Identifiers: ClinVar variation 1513405 (VCV001513405.7), dbSNP rs753458249, ClinGen allele CA396895321.
Genomic context (GRCh38, chr16:81,786,021, plus strand): 5'-TTCCTTCCTTCTCCCTGGAGCGGCCGACAATGTCCACCACGGTCAATGTAGATTCCCTTG[C>A]GGAATATGAGAAGAGCCAGATCAAGAGAGCCCTGGAGCTGGGGACGGTGATGACTGTGTT-3'
Protein context (NP_002652.2, residues 1-21): MSTTVNVDSL[Ala11Glu]EYEKSQIKRA